The following is an entry in ClinVar:

NM_014795.4(ZEB2):c.324T>C (p.Asp108=)

Gene: ZEB2 (zinc finger E-box binding homeobox 2; minus strand). Cytogenetic location: 2q22.3.
Variant type: single nucleotide variant.
Coding change: c.324T>C on transcript NM_014795.4 (MANE Select); coding-DNA position 324, T replaced by C.
Protein change: p.Asp108=; no amino-acid change (aspartic acid 108 retained).
Molecular consequence: synonymous variant.
Genome position (GRCh38, 1-based): chr2:144,429,776, A>G on the plus strand (T>C on the coding strand, the complement: ZEB2 is on the minus strand). VCF-style: chr2-144429776-A-G. GRCh37 (hg19) VCF-style: chr2-145187343-A-G.
Other names: c.324T>C, p.Asp108= (NM_001171653.2).
Identifiers: ClinVar variation 466286 (VCV000466286.39), dbSNP rs148117680, ClinGen allele CA57581620.

ClinVar aggregate classification (germline): Likely benign. Review status: criteria provided, multiple submitters, no conflicts (2 of 4 stars). 2 submissions from 2 submitters: Likely benign (2). Last evaluated 2022-05-01.

Conditions:
Mowat-Wilson syndrome (MOWS). Also called: Classic Mowat-Wilson Syndrome. Identifiers: Orphanet 2152, MedGen C1856113, MONDO:0009341, OMIM 235730.

Allele frequency attached by ClinVar (database versions not stated): ESP Exome Variant Server 0.00008; gnomAD exomes below 0.00001 and 0.00001; TOPMed below 0.00001; gnomAD 0.00001.
gnomAD v4.1: 2 of 1,613,720 alleles (0.00012%); highest among the groups gnomAD compares: Admixed American, 0.0017%; no homozygotes.

Submissions (2):

CeGaT Center for Human Genetics Tuebingen
Classification: Likely benign. Last evaluated: 2022-05-01. Review status: criteria provided, single submitter. Criteria: CeGaT Center For Human Genetics Tuebingen Variant Classification Criteria Version 2. Collection method: clinical testing. Allele origin: germline. Affected: yes. Observed: 1 variant allele.
Comment: ZEB2: BP4, BP7

Labcorp Genetics (formerly Invitae), Labcorp
Classification: Likely benign for Mowat-Wilson syndrome. Last evaluated: 2017-04-01. Review status: criteria provided, single submitter. Criteria: Invitae Variant Classification Sherloc (09022015). Collection method: clinical testing. Allele origin: germline.